The following is an entry in ClinVar:

NM_006623.4(PHGDH):c.1429dup (p.Met477fs)

Gene: PHGDH (phosphoglycerate dehydrogenase; plus strand). Cytogenetic location: 1p12.
Variant type: Duplication.
Coding change: c.1429dup on transcript NM_006623.4 (MANE Select); coding-DNA position 1429, one base duplicated (A; older notation c.1429dupA).
Protein change: p.Met477fs; shifts the reading frame from methionine 477.
Molecular consequence: frameshift variant.
Genome position (GRCh38, 1-based): chr1:119,743,026, A duplicated; the last of 2 consecutive A bases (chr1:119,743,025-119,743,026); duplicating either gives the same sequence. VCF-style (leftmost placement, unchanged base first): chr1-119743024-C-CA. GRCh37 (hg19) VCF-style: chr1-120285647-C-CA.
Other names: short protein forms M477fs.
Identifiers: ClinVar variation 2733973 (VCV002733973.3), dbSNP rs2464205035, ClinGen allele CA913187370.

ClinVar aggregate classification (germline): Pathogenic (1 of 4 stars; one submission).

Conditions:
PHGDH deficiency. Identifiers: Orphanet 79351, MedGen C1866174, MONDO:0011152, OMIM 601815.

Submission:

Labcorp Genetics (formerly Invitae), Labcorp
Classification: Pathogenic for PHGDH deficiency. Last evaluated: 2023-10-13. Review status: criteria provided, single submitter. Criteria: Invitae Variant Classification Sherloc (09022015). Collection method: clinical testing. Allele origin: germline.
Comment: This sequence change creates a premature translational stop signal (p.Met477Asnfs*51) in the PHGDH gene. While this is not anticipated to result in nonsense mediated decay, it is expected to disrupt the last 57 amino acid(s) of the PHGDH protein. This variant is not present in population databases (gnomAD no frequency). This premature translational stop signal has been observed in individual(s) with phosphoglycerate dehydrogenase deficiency (PMID: 28440900). This variant disrupts a region of the PHGDH protein in which other variant(s) (p.Trp506*) have been determined to be pathogenic (PMID: 30348640). This suggests that this is a clinically significant region of the protein, and that variants that disrupt it are likely to be disease-causing. For these reasons, this variant has been classified as Pathogenic.

Literature cited by the submitters: PubMed 28440900; PubMed 30348640.